The following is an entry in ClinVar:

ClinVar aggregate classification (germline): Pathogenic. Review status: criteria provided, multiple submitters, no conflicts (2 of 4 stars). 8 submissions from 7 submitters: Pathogenic (8). Last evaluated 2024-07-20.

Conditions:
Oculocutaneous albinism type 1. Also called: Albinism 1; ALBINISM I. Identifiers: Orphanet 352731, MedGen C0268494, MONDO:0018135. Disease mechanism: loss of function.
Oculocutaneous albinism type 1B (OCA1B). Also called: YELLOW ALBINISM; ALBINISM, OCULOCUTANEOUS, TYPE IB; ALBINISM, YELLOW MUTANT TYPE. Identifiers: Orphanet 352731, Orphanet 352737, Orphanet 79434, MedGen C1847024, MONDO:0011749, OMIM 606952.
SKIN/HAIR/EYE PIGMENTATION 3, LIGHT/DARK SKIN (SHEP3). Also called: SKIN/HAIR/EYE PIGMENTATION 3, BLUE/GREEN EYE COLOR; SKIN/HAIR/EYE PIGMENTATION 3, FRECKLING; SKIN/HAIR/EYE PIGMENTATION, VARIATION IN, 3; EYE COLOR 1; EYE COLOR, GREEN/BLUE. Identifiers: MedGen C2677190, OMIM 601800.
Oculocutaneous albinism type 1A (OCA1A). Also called: Albinism, oculocutaneous, type IA. Identifiers: Orphanet 352731, Orphanet 79431, MedGen C4551504, MONDO:0008745, OMIM 203100. Disease mechanism: loss of function.

Allele frequency attached by ClinVar (database versions not stated): ExAC 0.00001; gnomAD 0.00001; gnomAD exomes below 0.00001; 1000 Genomes Project 0.00020; 1000 Genomes Project 30x 0.00016.
gnomAD v4.1: 1 of 1,613,740 alleles (0.000062%); highest among the groups gnomAD compares: South Asian, 0.0011%; no homozygotes.

Submissions (8):

Myriad Genetics, Inc.
Classification: Pathogenic for Oculocutaneous albinism type 1. Last evaluated: 2024-07-20. Review status: criteria provided, single submitter. Criteria: Myriad Autosomal Dominant, Autosomal Recessive and X-Linked Classification Criteria (2023). Collection method: clinical testing. Allele origin: unknown.
Comment: NM_000372.4(TYR):c.976C>T(Q326*) is expected to be pathogenic in the context of oculocutaneous albinism, TYR-related. This variant is predicted to lead to an abnormal or absent protein product due to the creation of a premature termination codon in TYR, a gene where loss-of-function variants are known to be pathogenic. Please note: this variant was assessed in the context of healthy population screening.

Labcorp Genetics (formerly Invitae), Labcorp
Classification: Pathogenic. Last evaluated: 2024-01-27. Review status: criteria provided, single submitter. Criteria: Invitae Variant Classification Sherloc (09022015). Collection method: clinical testing. Allele origin: germline.
Comment: This sequence change creates a premature translational stop signal (p.Gln326*) in the TYR gene. It is expected to result in an absent or disrupted protein product. Loss-of-function variants in TYR are known to be pathogenic (PMID: 23504663). This variant is present in population databases (rs540911439, gnomAD 0.003%). This premature translational stop signal has been observed in individual(s) with oculocutaneous albinism (PMID: 16907708). ClinVar contains an entry for this variant (Variation ID: 379657). For these reasons, this variant has been classified as Pathogenic.

Neuberg Centre For Genomic Medicine, NCGM
Classification: Pathogenic for Oculocutaneous albinism type 1B. Last evaluated: 2023-06-22. Review status: criteria provided, single submitter. Criteria: ACMG Guidelines, 2015. Collection method: clinical testing. Allele origin: germline. Inheritance: Autosomal recessive inheritance. Affected: yes.
Comment: The stop gained c.976C>T(p.Gln326Ter) variant in TYR gene has been reported in homozygous state in individual(s) affected withOculocutaneous albinism (Chaki, M., et. al., 2006). This variant has been reported previouly as a founder variant in indianpopulation associated with Oculocutaneous albinism type 1 (Chaki, M., et. al., 2006). This variant is present with an allele frequencyof 0.0004% in gnomAD Exomes. This variant has been submitted to the ClinVar database as Pathogenic (multiple submissions).Computational evidence (MutationTaster - Disease causing) predict a damaging effect on protein structure and function for thisvariant. The nucleotide change c.976C>T in TYR is predicted as conserved by GERP++ and PhyloP across 100 vertebrates. Thisvariant is predicted to cause loss of normal protein function through protein truncation. Loss of function variants in TYR are knownto be pathogenic (Simeonov, D. R., et. al., 2013). For these reasons, this variant has been classified as Pathogenic.

Baylor Genetics
Classification: Pathogenic for SKIN/HAIR/EYE PIGMENTATION 3, LIGHT/DARK SKIN. Last evaluated: 2022-09-16. Review status: criteria provided, single submitter. Criteria: ACMG Guidelines, 2015. Collection method: clinical testing. Allele origin: unknown.

Genome-Nilou Lab
Classification: Pathogenic for Oculocutaneous albinism type 1A. Last evaluated: 2021-07-22. Review status: criteria provided, single submitter. Criteria: ACMG Guidelines, 2015. Collection method: clinical testing. Allele origin: germline. Affected: no.

Revvity Omics, Revvity
Classification: Pathogenic. Last evaluated: 2019-05-16. Review status: criteria provided, single submitter. Criteria: ACMG Guidelines, 2015. Collection method: clinical testing. Allele origin: germline.

GeneDx
Classification: Pathogenic. Last evaluated: 2015-05-01. Review status: criteria provided, single submitter. Criteria: GeneDx Variant Classification (06012015). Collection method: clinical testing. Allele origin: germline. Affected: yes.
Comment: The Q326X variant in the TYR gene has been reported previously as a founder variant in the Indianpopulation and associated with oculocutaneous albinism type 1 when present in the homozygous state(Chaki et al., 2006). This variant is predicted to cause loss of normal protein function either throughprotein truncation or nonsense-mediated mRNA decay. The Q326X variant was not observed inapproximately 6500 individuals of European and African American ancestry in the NHLBI ExomeSequencing Project. However, Q326X was observed with an allele frequency of 0.10% (1/978 alleles) inindividuals from South Asia, and an allele frequency of 0.49% (1/204 alleles) in individuals of Indianancestry from the United Kingdom in the 1000 Genomes database (McVean et al. 2012). We interpretQ326X as a pathogenic variant.

Neuberg Centre For Genomic Medicine, NCGM
Classification: Pathogenic for Oculocutaneous albinism type 1A. Review status: criteria provided, single submitter. Criteria: ACMG Guidelines, 2015. Collection method: clinical testing. Allele origin: germline. Affected: yes.
Comment: The stop gained p.Q326* in TYR (NM_000372.5) has been reported previously in affected indviduals and has been reported as a Founder variant in Indian population (Chak M et al). The variant has been submitted to ClinVar as Pathogenic. The p.Q326* variant is observed in 1/30,616 (0.0033%) alleles from individuals of South Asian background in gnomAD Exomes and in 1/978 (0.1022%) alleles from individuals of South Asian background in 1000 Genomes. This variant is predicted to cause loss of normal protein function through protein truncation. For these reasons, this variant has been classified as Pathogenic.

Literature cited by the submitters: PubMed 23504663 (cited by Labcorp Genetics (formerly Invitae), Labcorp); PubMed 16907708 (cited by Labcorp Genetics (formerly Invitae), Labcorp).

NM_000372.5(TYR):c.976C>T (p.Gln326Ter)

Gene: TYR (tyrosinase; plus strand). Cytogenetic location: 11q14.3.
Variant type: single nucleotide variant.
Coding change: c.976C>T on transcript NM_000372.5 (MANE Select); coding-DNA position 976, C replaced by T.
Protein change: p.Gln326Ter; replaces glutamine 326 with a stop codon.
Molecular consequence: nonsense.
Genome position (GRCh38, 1-based): chr11:89,191,358, C>T. VCF-style: chr11-89191358-C-T. GRCh37 (hg19) VCF-style: chr11-88924526-C-T.
Other names: c.[976C>T] (NM_000372.4); short protein forms Q326*.
Identifiers: ClinVar variation 379657 (VCV000379657.19), dbSNP rs540911439, ClinGen allele CA6221274.